The following is an entry in ClinVar:

NM_004281.4(BAG3):c.65del (p.Leu22fs)

Gene: BAG3 (BAG cochaperone 3; plus strand). Cytogenetic location: 10q26.11.
Variant type: Deletion.
Coding change: c.65del on transcript NM_004281.4 (MANE Select); coding-DNA position 65, one base deleted (T; older notation c.65delT).
Protein change: p.Leu22fs; shifts the reading frame from leucine 22.
Molecular consequence: frameshift variant.
Genome position (GRCh38, 1-based): chr10:119,651,740, T deleted; the last of 3 consecutive T bases (chr10:119,651,738-119,651,740); deleting any one gives the same sequence. VCF-style (leftmost placement, unchanged base first): chr10-119651737-CT-C. GRCh37 (hg19) VCF-style: chr10-121411249-CT-C.
Other names: short protein forms L22fs.
Identifiers: ClinVar variation 4785576 (VCV004785576.1).

ClinVar aggregate classification (germline): Pathogenic (1 of 4 stars; one submission).

Conditions:
Dilated cardiomyopathy 1HH (CMD1HH). Identifiers: Orphanet 154, MedGen C3151293, MONDO:0013479, OMIM 613881.
Myofibrillar myopathy 6. Identifiers: Orphanet 199340, MedGen C2751831, MONDO:0013061, OMIM 612954.

Submission:

Labcorp Genetics (formerly Invitae), Labcorp
Classification: Pathogenic for Dilated cardiomyopathy 1HH; Myofibrillar myopathy 6. Last evaluated: 2025-07-15. Review status: criteria provided, single submitter. Criteria: Invitae Variant Classification Sherloc (09022015). Collection method: clinical testing. Allele origin: germline.
Comment: This sequence change creates a premature translational stop signal (p.Leu22Cysfs*189) in the BAG3 gene. It is expected to result in an absent or disrupted protein product. Loss-of-function variants in BAG3 are known to be pathogenic (PMID: 21353195, 25008357). This variant is not present in population databases (gnomAD no frequency). This variant has not been reported in the literature in individuals affected with BAG3-related conditions. For these reasons, this variant has been classified as Pathogenic.

Literature cited by the submitters: PubMed 21353195; PubMed 25008357.